The following is an entry in ClinVar:

NM_145207.3(AFG2A):c.1715-1G>C

Gene: AFG2A (AAA ATPase AFG2A; plus strand). Cytogenetic location: 4q28.1.
Variant type: single nucleotide variant.
Coding change: c.1715-1G>C on transcript NM_145207.3 (MANE Select); the canonical splice acceptor site of the intron before coding-DNA position 1715, G replaced by C.
Molecular consequence: splice acceptor variant.
Genome position (GRCh38, 1-based): chr4:122,979,231, G>C. VCF-style: chr4-122979231-G-C. GRCh37 (hg19) VCF-style: chr4-123900386-G-C.
Other names: c.1712-1G>C (NM_001345856.2, NM_001317799.2).
Identifiers: ClinVar variation 568380 (VCV000568380.5), dbSNP rs1263369560, ClinGen allele CA358093215.

ClinVar aggregate classification (germline): Likely pathogenic (1 of 4 stars; one submission).

Conditions:
Microcephaly-intellectual disability-sensorineural hearing loss-epilepsy-abnormal muscle tone syndrome (NEDHSB). Also called: NEURODEVELOPMENTAL DISORDER WITH HEARING LOSS, SEIZURES, AND BRAIN ABNORMALITIES. Identifiers: Orphanet 457351, MedGen C4225276, MONDO:0014698, OMIM 616577.

Allele frequency attached by ClinVar (database versions not stated): gnomAD exomes below 0.00001.
gnomAD v4.1: 2 of 1,613,612 alleles (0.00012%); highest among the groups gnomAD compares: East Asian, 0.0022%; no homozygotes.

Submission:

Labcorp Genetics (formerly Invitae), Labcorp
Classification: Likely pathogenic for Microcephaly-intellectual disability-sensorineural hearing loss-epilepsy-abnormal muscle tone syndrome. Last evaluated: 2017-09-17. Review status: criteria provided, single submitter. Criteria: Invitae Variant Classification Sherloc (09022015). Collection method: clinical testing. Allele origin: germline.
Comment: Donor and acceptor splice site variants typically lead to a loss of protein function (PMID: 16199547), and loss-of-function variants in SPATA5 are known to be pathogenic (PMID: 26299366). Algorithms developed to predict the effect of sequence changes on RNA splicing suggest that this variant may disrupt the consensus splice site, but this prediction has not been confirmed by published transcriptional studies. This variant has not been reported in the literature in individuals with SPATA5-related disease. This variant is not present in population databases (ExAC no frequency). This sequence change affects an acceptor splice site in intron 9 of the SPATA5 gene. It is expected to disrupt RNA splicing and likely results in an absent or disrupted protein product. In summary, the currently available evidence indicates that the variant is pathogenic, but additional data are needed to prove that conclusively. Therefore, this variant has been classified as Likely Pathogenic.

Literature cited by the submitters: PubMed 16199547; PubMed 26299366.